The following is an entry in ClinVar:

ClinVar aggregate classification (germline): Uncertain significance (1 of 4 stars; one submission).

Conditions:
Developmental and epileptic encephalopathy, 32 (DEE32). Also called: Epileptic encephalopathy, early infantile, 32. Identifiers: Orphanet 442835, MedGen C4225350, MONDO:0014607, OMIM 616366.

Submission:

Labcorp Genetics (formerly Invitae), Labcorp
Classification: Uncertain significance for Developmental and epileptic encephalopathy, 32. Last evaluated: 2019-12-24. Review status: criteria provided, single submitter. Criteria: Invitae Variant Classification Sherloc (09022015). Collection method: clinical testing. Allele origin: germline.
Comment: Algorithms developed to predict the effect of missense changes on protein structure and function are either unavailable or do not agree on the potential impact of this missense change (SIFT: "Deleterious"; PolyPhen-2: "Benign"; Align-GVGD: "Class C45"). In summary, the available evidence is currently insufficient to determine the role of this variant in disease. Therefore, it has been classified as a Variant of Uncertain Significance. This variant has not been reported in the literature in individuals with KCNA2-related conditions. This variant is not present in population databases (ExAC no frequency). This sequence change replaces isoleucine with asparagine at codon 254 of the KCNA2 protein (p.Ile254Asn). The isoleucine residue is highly conserved and there is a large physicochemical difference between isoleucine and asparagine.

NM_004974.4(KCNA2):c.761T>A (p.Ile254Asn)

Gene: KCNA2 (potassium voltage-gated channel subfamily A member 2; minus strand). Cytogenetic location: 1p13.3.
Variant type: single nucleotide variant.
Coding change: c.761T>A on transcript NM_004974.4 (MANE Select); coding-DNA position 761, T replaced by A.
Protein change: p.Ile254Asn; replaces isoleucine 254 with asparagine.
Molecular consequence: missense variant.
Genome position (GRCh38, 1-based): chr1:110,604,022, A>T on the plus strand (T>A on the coding strand, the complement: KCNA2 is on the minus strand). VCF-style: chr1-110604022-A-T. GRCh37 (hg19) VCF-style: chr1-111146644-A-T.
Other names: c.761T>A, p.Ile254Asn (NM_001204269.2); short protein forms I254N.
Identifiers: ClinVar variation 849504 (VCV000849504.10), dbSNP rs1649480102, ClinGen allele CA341603259.
Genomic context (GRCh38, chr1:110,604,022, plus strand): 5'-AACTCTGTCCCCAGGGTGATGAAGTAGGGGATGATGGCCACAATGTCAATGATGTTCATG[A>T]TGTTGGTGAAGAAGCCGGCTTTGCTGGGACAGGCAAAGAACCTCACCAAGAATTCAAAGG-3'
Protein context (NP_004965.1, residues 244-264): CPSKAGFFTN[Ile254Asn]MNIIDIVAII